The following is an entry in ClinVar:

ClinVar aggregate classification (germline): Conflicting classifications of pathogenicity. Review status: criteria provided, conflicting classifications (1 of 4 stars). 2 submissions from 2 submitters: Uncertain significance (1); Likely benign (1). Last evaluated 2025-04-29.

Conditions:
AKR1C4-related disorder. Also called: AKR1C4-related condition.

gnomAD v4.1: 79 of 1,614,088 alleles (0.0049%); highest among the groups gnomAD compares: Admixed American, 0.015%; no homozygotes.

Submissions (2):

PreventionGenetics, part of Exact Sciences
Classification: Likely benign for AKR1C4-related condition. Last evaluated: 2025-04-29. Review status: criteria provided, single submitter. Criteria: ACMG Guidelines, 2015. Collection method: clinical testing. Allele origin: germline.
Comment: This variant is classified as likely benign based on ACMG/AMP sequence variant interpretation guidelines (Richards et al. 2015 PMID: 25741868, with internal and published modifications).

Labcorp Genetics (formerly Invitae), Labcorp
Classification: Uncertain significance. Last evaluated: 2024-03-03. Review status: criteria provided, single submitter. Criteria: Invitae Variant Classification Sherloc (09022015). Collection method: clinical testing. Allele origin: germline.
Comment: This sequence change replaces isoleucine, which is neutral and non-polar, with threonine, which is neutral and polar, at codon 69 of the AKR1C4 protein (p.Ile69Thr). This variant is present in population databases (rs781999620, gnomAD 0.2%), and has an allele count higher than expected for a pathogenic variant. This variant has not been reported in the literature in individuals affected with AKR1C4-related conditions. An algorithm developed to predict the effect of missense changes on protein structure and function (PolyPhen-2) suggests that this variant is likely to be disruptive. In summary, the available evidence is currently insufficient to determine the role of this variant in disease. Therefore, it has been classified as a Variant of Uncertain Significance.

NM_001818.5(AKR1C4):c.206T>C (p.Ile69Thr)

Gene: AKR1C4 (aldo-keto reductase family 1 member C4; plus strand). Cytogenetic location: 10p15.1.
Variant type: single nucleotide variant.
Coding change: c.206T>C on transcript NM_001818.5 (MANE Select); coding-DNA position 206, T replaced by C.
Protein change: p.Ile69Thr; replaces isoleucine 69 with threonine.
Molecular consequence: missense variant.
Genome position (GRCh38, 1-based): chr10:5,200,302, T>C. VCF-style: chr10-5200302-T-C. GRCh37 (hg19) VCF-style: chr10-5242265-T-C.
Other names: c.206T>C (NM_001818.3); short protein forms I69T.
Identifiers: ClinVar variation 3715838 (VCV003715838.3).